The following is an entry in ClinVar:

ClinVar aggregate classification (germline): Uncertain significance (1 of 4 stars; one submission).

Conditions:
Autosomal dominant childhood-onset proximal spinal muscular atrophy with contractures (SMALED2A). Also called: SPINAL MUSCULAR ATROPHY, LOWER EXTREMITY-PREDOMINANT, 2A, CHILDHOOD ONSET, AUTOSOMAL DOMINANT; Spinal muscular atrophy, lower extremity-predominant, 2A, autosomal dominant. Identifiers: Orphanet 363447, Orphanet 363454, MedGen C4747715, MONDO:0014121, OMIM 615290.

Submission:

Labcorp Genetics (formerly Invitae), Labcorp
Classification: Uncertain significance for Autosomal dominant childhood-onset proximal spinal muscular atrophy with contractures. Last evaluated: 2021-02-10. Review status: criteria provided, single submitter. Criteria: Invitae Variant Classification Sherloc (09022015). Collection method: clinical testing. Allele origin: germline.
Comment: This variant is not present in population databases (ExAC no frequency). This variant has not been reported in the literature in individuals with BICD2-related conditions. Experimental studies and prediction algorithms are not available or were not evaluated, and the functional significance of this variant is currently unknown. In summary, the available evidence is currently insufficient to determine the role of this variant in disease. Therefore, it has been classified as a Variant of Uncertain Significance. This sequence change affects the initiator methionine of the BICD2 mRNA. The next in-frame methionine is located at codon 15.

NM_001003800.2(BICD2):c.1A>C (p.Met1Leu)

Gene: BICD2 (BICD cargo adaptor 2; minus strand). Cytogenetic location: 9q22.31.
Variant type: single nucleotide variant.
Coding change: c.1A>C on transcript NM_001003800.2 (MANE Select); coding-DNA position 1, A replaced by C.
Protein change: p.Met1Leu; changes the start codon (methionine 1).
Molecular consequence: missense variant, initiator codon variant.
Genome position (GRCh38, 1-based): chr9:92,764,744, T>G on the plus strand (A>C on the coding strand, the complement: BICD2 is on the minus strand). VCF-style: chr9-92764744-T-G. GRCh37 (hg19) VCF-style: chr9-95527026-T-G.
Other names: c.1A>C, p.Met1Leu (NM_015250.4); short protein forms M1L.
Identifiers: ClinVar variation 1368930 (VCV001368930.9), dbSNP rs2131542823, ClinGen allele CA374033503.
Genomic context (GRCh38, chr9:92,764,744, plus strand): 5'-ACTCCGGCTGCGCCTCCATCACCAGCCGCGCGTACTCCTCCTCCTCCGACGGCGCCGACA[T>G]GGTGGCCGAGGGCTGAGCCGGCTCCCACTGAGGCTCTCGCAGGCCGGGCCCTCCTCAGCC-3'
Protein context (NP_001003800.1, residues 1-11): [Met1Leu]SAPSEEEEYA